The following is an entry in ClinVar:

NM_021930.6(RINT1):c.1671_1671+2del

Gene: RINT1 (RAD50 interactor 1; plus strand). Cytogenetic location: 7q22.3.
Variant type: Microsatellite.
Coding change: c.1671_1671+2del on transcript NM_021930.6 (MANE Select); coding-DNA position 1671 through the canonical splice donor site of the intron after coding-DNA position 1671, 3 bases deleted (TGT; older notation c.1671_1671+2delTGT).
Molecular consequence: splice donor variant.
Genome position (GRCh38, 1-based): chr7:105,555,227-105,555,229, TGT deleted; deleting any 3 consecutive bases within chr7:105,555,224-105,555,229 gives the same sequence; the c. name uses the placement nearest the transcript's 3' end. VCF-style (leftmost placement, unchanged base first): chr7-105555223-ATGT-A. GRCh37 (hg19) VCF-style: chr7-105195670-ATGT-A.
Other names: c.1671_1671+2delTGT (NM_021930.4); c.648_648+2del (NM_001346600.2, NM_001346603.2); c.747_747+2del (NM_001346601.2); c.1437_1437+2del (NM_001346599.2).
Identifiers: ClinVar variation 224920 (VCV000224920.12), dbSNP rs869312981, ClinGen allele CA357838.

ClinVar aggregate classification (germline): Conflicting classifications of pathogenicity. Review status: criteria provided, conflicting classifications (1 of 4 stars). 3 submissions from 3 submitters: Likely pathogenic (1); Uncertain significance (2). Last evaluated 2024-01-09.

Submissions (3):

Clinical Genetics Laboratory, Skane University Hospital Lund
Classification: Likely pathogenic. Last evaluated: 2024-01-09. Review status: criteria provided, single submitter. Criteria: ACMG Guidelines, 2015. Collection method: clinical testing. Allele origin: germline. Affected: yes.

Ambry Genetics
Classification: Uncertain significance. Last evaluated: 2021-09-22. Review status: criteria provided, single submitter. Criteria: Ambry Variant Classification Scheme 2023. Collection method: clinical testing. Allele origin: germline.
Comment: The c.1671_1671+2delTGT variant results from a deletion of three nucleotides between positions 1671 and 1671+2 and involves the canonical splice donor site after coding exon 11 of the RINT1 gene. The canonical splice donor site is well conserved through mammals. Alterations that disrupt the canonical splice site are expected to cause aberrant splicing, resulting in an abnormal protein or a transcript that is subject to nonsense-mediated mRNA decay. However, the gene-disease association for RINT1 is limited. Since supporting evidence is limited at this time, the clinical significance of this alteration remains unclear.

Labcorp Genetics (formerly Invitae), Labcorp
Classification: Uncertain significance. Last evaluated: 2020-12-10. Review status: criteria provided, single submitter. Criteria: Invitae Variant Classification Sherloc (09022015). Collection method: clinical testing. Allele origin: germline.
Comment: Nucleotide substitutions at the last nucleotide of the exon and donor splice site in the intron are relatively common causes of aberrant splicing (PMID: 17576681). However, according to multiple splice site algorithms this variant does not result in a significant splicing alteration. An adjacent GT dinucleotide (c.1669_1670) has the potential to serve as a new donor splice site that, if used, would result in an in-frame deletion of Val557. There is also the possibility that this alternate site is not used, which may result in aberrant splicing. Neither of these predictions has been confirmed by published functional studies. This variant has not been reported in the literature in individuals with RINT1-related disease. ClinVar contains an entry for this variant (Variation ID: 224920). This variant is present in population databases (rs774457611, ExAC 0.01%). This sequence change deletes 3 nucleotides from exon 11 of the RINT1 mRNA (c.1671_1671+2delTGT), corresponding to the last nucleotide of exon 11 and the donor splice site in intron 11. The current clinical and genetic evidence is not sufficient to establish whether loss-of-function variants in RINT1 cause disease. In summary, the available evidence is currently insufficient to determine the role of this variant in disease. Therefore, it has been classified as a Variant of Uncertain Significance.

Literature cited by the submitters: PubMed 17576681 (cited by Labcorp Genetics (formerly Invitae), Labcorp).